The following is an entry in ClinVar:

ClinVar aggregate classification (germline): Uncertain significance. Review status: criteria provided, multiple submitters, no conflicts (2 of 4 stars). 3 submissions from 3 submitters: Uncertain significance (3). Last evaluated 2024-09-05.

Conditions:
Autosomal recessive limb-girdle muscular dystrophy type 2W (MDRCMTT). Also called: Muscular dystrophy, limb-girdle, type 2W; Muscular dystrophy, autosomal recessive, with cardiomyopathy and triangular tongue. Identifiers: MedGen C4225192, MONDO:0014788, OMIM 616827.

Allele frequency attached by ClinVar (database versions not stated): gnomAD 0.00004 and 0.00005; gnomAD exomes 0.00005 and 0.00009; TOPMed 0.00005; ExAC 0.00008; ESP Exome Variant Server 0.00015.

Submissions (3):

Ambry Genetics
Classification: Uncertain significance. Last evaluated: 2024-09-05. Review status: criteria provided, single submitter. Criteria: Ambry Variant Classification Scheme 2023. Collection method: clinical testing. Allele origin: germline.

Labcorp Genetics (formerly Invitae), Labcorp
Classification: Uncertain significance for Autosomal recessive limb-girdle muscular dystrophy type 2W. Last evaluated: 2023-12-19. Review status: criteria provided, single submitter. Criteria: Invitae Variant Classification Sherloc (09022015). Collection method: clinical testing. Allele origin: germline.
Comment: This sequence change replaces glutamic acid, which is acidic and polar, with lysine, which is basic and polar, at codon 228 of the LIMS2 protein (p.Glu228Lys). This variant is present in population databases (rs368003558, gnomAD 0.01%). This variant has not been reported in the literature in individuals affected with LIMS2-related conditions. ClinVar contains an entry for this variant (Variation ID: 863894). Advanced modeling of protein sequence and biophysical properties (such as structural, functional, and spatial information, amino acid conservation, physicochemical variation, residue mobility, and thermodynamic stability) performed at Invitae indicates that this missense variant is not expected to disrupt LIMS2 protein function with a negative predictive value of 80%. In summary, the available evidence is currently insufficient to determine the role of this variant in disease. Therefore, it has been classified as a Variant of Uncertain Significance.

Revvity Omics, Revvity
Classification: Uncertain significance for Autosomal recessive limb-girdle muscular dystrophy type 2W. Last evaluated: 2023-10-20. Review status: criteria provided, single submitter. Criteria: ACMG Guidelines, 2015. Collection method: clinical testing. Allele origin: germline.

NM_001161403.3(LIMS2):c.616G>A (p.Glu206Lys)

Gene: LIMS2 (LIM zinc finger domain containing 2; minus strand). Cytogenetic location: 2q14.3.
Variant type: single nucleotide variant.
Coding change: c.616G>A on transcript NM_001161403.3 (MANE Select); coding-DNA position 616, G replaced by A.
Protein change: p.Glu206Lys; replaces glutamic acid 206 with lysine.
Molecular consequence: missense variant.
Genome position (GRCh38, 1-based): chr2:127,642,093, C>T on the plus strand (G>A on the coding strand, the complement: LIMS2 is on the minus strand). VCF-style: chr2-127642093-C-T. GRCh37 (hg19) VCF-style: chr2-128399668-C-T.
Other names: c.682G>A, p.Glu228Lys (NM_001136037.4); c.601G>A, p.Glu201Lys (NM_001161404.2); c.160G>A, p.Glu54Lys (NM_001256542.2); c.688G>A, p.Glu230Lys (NM_017980.5); c.688G>A (NM_017980.4); c.682G>A (NM_001136037.3); short protein forms E201K, E206K, E228K, E230K, E54K.
Identifiers: ClinVar variation 863894 (VCV000863894.13), dbSNP rs368003558, ClinGen allele CA1862987.